The following is an entry in ClinVar:

NM_032040.5(CCDC8):c.67G>A (p.Val23Ile)

Gene: CCDC8 (coiled-coil domain containing 8 subunit of 3M complex; minus strand). Cytogenetic location: 19q13.32.
Variant type: single nucleotide variant.
Coding change: c.67G>A on transcript NM_032040.5 (MANE Select); coding-DNA position 67, G replaced by A.
Protein change: p.Val23Ile; replaces valine 23 with isoleucine.
Molecular consequence: missense variant.
Genome position (GRCh38, 1-based): chr19:46,412,744, C>T on the plus strand (G>A on the coding strand, the complement: CCDC8 is on the minus strand). VCF-style: chr19-46412744-C-T. GRCh37 (hg19) VCF-style: chr19-46916001-C-T.
Other names: short protein forms V23I.
Identifiers: ClinVar variation 748389 (VCV000748389.10), dbSNP rs771970620, ClinGen allele CA9528786.

ClinVar aggregate classification (germline): Likely benign. Review status: criteria provided, multiple submitters, no conflicts (2 of 4 stars). 2 submissions from 2 submitters: Likely benign (2). Last evaluated 2026-01-12.

Allele frequency attached by ClinVar (database versions not stated): gnomAD 0.00006; TOPMed 0.00018; ExAC 0.00045; gnomAD exomes 0.00049.

Submissions (2):

Labcorp Genetics (formerly Invitae), Labcorp
Classification: Likely benign. Last evaluated: 2026-01-12. Review status: criteria provided, single submitter. Criteria: Invitae Variant Classification Sherloc (09022015). Collection method: clinical testing. Allele origin: germline.

Women's Health and Genetics/Laboratory Corporation of America, LabCorp
Classification: Likely benign. Last evaluated: 2024-01-23. Review status: criteria provided, single submitter. Criteria: LabCorp Variant Classification Summary - May 2015. Collection method: clinical testing. Allele origin: germline.
Comment: Variant summary: CCDC8 c.67G>A (p.Val23Ile) results in a conservative amino acid change in the encoded protein sequence. Three of five in-silico tools predict a benign effect of the variant on protein function. The variant allele was found at a frequency of 0.00049 in 248872 control chromosomes, predominantly at a frequency of 0.0035 within the Latino subpopulation in the gnomAD database. The observed variant frequency within Latino control individuals in the gnomAD database is approximately 3.13 fold of the estimated maximal expected allele frequency for a pathogenic variant in CCDC8 causing Three M Syndrome 3 phenotype (0.0011), strongly suggesting that the variant is a benign polymorphism found primarily in populations of Latino origin. To our knowledge, no occurrence of c.67G>A in individuals affected with Three M Syndrome 3 and no experimental evidence demonstrating its impact on protein function have been reported. ClinVar contains an entry for this variant (Variation ID: 748389). Based on the evidence outlined above, the variant was classified as likely benign.